The following is an entry in ClinVar:

ClinVar aggregate classification (germline): Uncertain significance (1 of 4 stars; one submission).

Conditions:
Cardiovascular phenotype. Identifiers: MedGen CN230736.

gnomAD v4.1: 15 of 1,613,510 alleles (0.00093%); highest among the groups gnomAD compares: African/African-American, 0.004%; no homozygotes.

Submission:

Ambry Genetics
Classification: Uncertain significance for Cardiovascular phenotype. Last evaluated: 2024-07-28. Review status: criteria provided, single submitter. Criteria: Ambry Variant Classification Scheme 2023. Collection method: clinical testing. Allele origin: germline.
Comment: The p.S205T variant (also known as c.613T>A), located in coding exon 5 of the SCN4B gene, results from a T to A substitution at nucleotide position 613. The serine at codon 205 is replaced by threonine, an amino acid with similar properties. This amino acid position is conserved. In addition, the in silico prediction for this alteration is inconclusive. Based on the available evidence, the clinical significance of this variant remains unclear.

NM_174934.4(SCN4B):c.613T>A (p.Ser205Thr)

Gene: SCN4B (sodium voltage-gated channel beta subunit 4; minus strand). Cytogenetic location: 11q23.3.
Variant type: single nucleotide variant.
Coding change: c.613T>A on transcript NM_174934.4 (MANE Select); coding-DNA position 613, T replaced by A.
Protein change: p.Ser205Thr; replaces serine 205 with threonine.
Molecular consequence: missense variant. On other transcripts: non-coding transcript variant (1).
Genome position (GRCh38, 1-based): chr11:118,137,101, A>T on the plus strand (T>A on the coding strand, the complement: SCN4B is on the minus strand). VCF-style: chr11-118137101-A-T. GRCh37 (hg19) VCF-style: chr11-118007816-A-T.
Other names: c.211T>A, p.Ser71Thr (NM_001142348.2); c.283T>A, p.Ser95Thr (NM_001142349.2); short protein forms S205T, S71T, S95T.
Identifiers: ClinVar variation 302645 (VCV000302645.6), dbSNP rs761183228, ClinGen allele CA6300136.